The following is an entry in ClinVar:

ClinVar aggregate classification (germline): Uncertain significance (1 of 4 stars; one submission).

Conditions:
Early-infantile DEE. Also called: Ohtahara syndrome; Early infantile epileptic encephalopathy with suppression bursts; Early infantile epileptic encephalopathy. Identifiers: Orphanet 1934, MedGen C0393706, MONDO:0800491.

gnomAD v4.1: 4 of 1,612,318 alleles (0.00025%); highest among the groups gnomAD compares: East Asian, 0.0045%; no homozygotes.

Submission:

Labcorp Genetics (formerly Invitae), Labcorp
Classification: Uncertain significance for Early-infantile DEE. Last evaluated: 2025-07-24. Review status: criteria provided, single submitter. Criteria: Invitae Variant Classification Sherloc (09022015). Collection method: clinical testing. Allele origin: germline.
Comment: This sequence change replaces threonine, which is neutral and polar, with serine, which is neutral and polar, at codon 454 of the ARHGEF15 protein (p.Thr454Ser). This variant is present in population databases (rs752445774, gnomAD 0.02%). This variant has not been reported in the literature in individuals affected with ARHGEF15-related conditions. An algorithm developed to predict the effect of missense changes on protein structure and function (PolyPhen-2) suggests that this variant is likely to be disruptive. In summary, the available evidence is currently insufficient to determine the role of this variant in disease. Therefore, it has been classified as a Variant of Uncertain Significance.

NM_173728.4(ARHGEF15):c.1361C>G (p.Thr454Ser)

Gene: ARHGEF15 (Rho guanine nucleotide exchange factor 15; plus strand). Cytogenetic location: 17p13.1.
Variant type: single nucleotide variant.
Coding change: c.1361C>G on transcript NM_173728.4 (MANE Select); coding-DNA position 1361, C replaced by G.
Protein change: p.Thr454Ser; replaces threonine 454 with serine.
Molecular consequence: missense variant.
Genome position (GRCh38, 1-based): chr17:8,315,514, C>G. VCF-style: chr17-8315514-C-G. GRCh37 (hg19) VCF-style: chr17-8218832-C-G.
Other names: c.1361C>G, p.Thr454Ser (NM_025014.2); short protein forms T454S.
Identifiers: ClinVar variation 4768679 (VCV004768679.1).
Genomic context (GRCh38, chr17:8,315,514, plus strand): 5'-GCTCCCTGCGGCTGCTGACCGACACCTTCGTGCTGAGCCAGGCACTCCGGGACACGCTCA[C>G]CCCCCGTGATCACCACACACTCTTCTCCAATGTGCAGCGAGTCCAGGGAGTCAGCGAGCG-3'
Protein context (NP_776089.2, residues 444-464): VLSQALRDTL[Thr454Ser]PRDHHTLFSN